The following is an entry in ClinVar:

NM_000334.4(SCN4A):c.4490C>A (p.Ser1497Tyr)

Genes: GH-LCR (growth hormone locus control region; plus strand), SCN4A (sodium voltage-gated channel alpha subunit 4; minus strand). Cytogenetic location: 17q23.3.
Variant type: single nucleotide variant.
Coding change: c.4490C>A on transcript NM_000334.4 (MANE Select); coding-DNA position 4490, C replaced by A.
Protein change: p.Ser1497Tyr; replaces serine 1497 with tyrosine.
Molecular consequence: missense variant.
Genome position (GRCh38, 1-based): chr17:63,941,792, G>T on the plus strand (C>A on the coding strand, the complement: SCN4A is on the minus strand). VCF-style: chr17-63941792-G-T. GRCh37 (hg19) VCF-style: chr17-62019152-G-T.
Other names: short protein forms S1497Y.
Identifiers: ClinVar variation 1470017 (VCV001470017.6), dbSNP rs2144774561, ClinGen allele CA400615912.

ClinVar aggregate classification (germline): Uncertain significance (1 of 4 stars; one submission).

Conditions:
Hyperkalemic periodic paralysis. Also called: Familial hyperkalemic periodic paralysis; Gamstorp disease. Identifiers: Orphanet 682, MedGen C0238357, MONDO:0008224, OMIM 170500, HP:0007215.

Submission:

Labcorp Genetics (formerly Invitae), Labcorp
Classification: Uncertain significance for Hyperkalemic periodic paralysis. Last evaluated: 2021-09-15. Review status: criteria provided, single submitter. Criteria: Invitae Variant Classification Sherloc (09022015). Collection method: clinical testing. Allele origin: germline.
Comment: This variant is not present in population databases (ExAC no frequency). In summary, the available evidence is currently insufficient to determine the role of this variant in disease. Therefore, it has been classified as a Variant of Uncertain Significance. Algorithms developed to predict the effect of missense changes on protein structure and function (SIFT, PolyPhen-2, Align-GVGD) all suggest that this variant is likely to be disruptive. This variant has not been reported in the literature in individuals affected with SCN4A-related conditions. This sequence change replaces serine with tyrosine at codon 1497 of the SCN4A protein (p.Ser1497Tyr). The serine residue is highly conserved and there is a large physicochemical difference between serine and tyrosine.